The following is an entry in ClinVar:

ClinVar aggregate classification (germline): Uncertain significance (1 of 4 stars; one submission).

Conditions:
Capillary malformation-arteriovenous malformation syndrome. Also called: Capillary malformation-arteriovenous malformation. Identifiers: Orphanet 137667, MedGen C1842180, MONDO:0012016.

Submission:

Labcorp Genetics (formerly Invitae), Labcorp
Classification: Uncertain significance for Capillary malformation-arteriovenous malformation syndrome. Last evaluated: 2018-01-14. Review status: criteria provided, single submitter. Criteria: Invitae Variant Classification Sherloc (09022015). Collection method: clinical testing. Allele origin: germline.
Comment: This sequence change falls in intron 15 of the RASA1 gene. It does not directly change the encoded amino acid sequence of the RASA1 protein, but it affects a nucleotide within the consensus splice site of the intron. In summary, the available evidence is currently insufficient to determine the role of this variant in disease. Therefore, it has been classified as a Variant of Uncertain Significance. Nucleotide substitutions within the consensus splice site are a relatively common cause of aberrant splicing (PMID: 17576681, 9536098). Algorithms developed to predict the effect of sequence changes on RNA splicing suggest that this variant may disrupt the consensus splice site, but this prediction has not been confirmed by published transcriptional studies. This variant has not been reported in the literature in individuals with RASA1-related disease. This variant is not present in population databases (ExAC no frequency).

Literature cited by the submitters: PubMed 17576681; PubMed 9536098.

NM_002890.3(RASA1):c.2011+6T>A

Genes: CCNH (cyclin H; minus strand), RASA1 (RAS p21 protein activator 1; plus strand). Cytogenetic location: 5q14.3.
Variant type: single nucleotide variant.
Coding change: c.2011+6T>A on transcript NM_002890.3 (MANE Select); 6 bases into the intron after coding-DNA position 2011, T replaced by A.
Molecular consequence: intron variant.
Genome position (GRCh38, 1-based): chr5:87,374,922, T>A. VCF-style: chr5-87374922-T-A. GRCh37 (hg19) VCF-style: chr5-86670739-T-A.
Other names: c.1480+6T>A (NM_022650.3); c.933+20122A>T (NM_001364075.2).
Identifiers: ClinVar variation 464856 (VCV000464856.9), dbSNP rs1554049237, ClinGen allele CA658657457.
Genomic context (GRCh38, chr5:87,374,922, plus strand): 5'-AGATTTGAAATAACTCTTAGTAATAAAACAAAGAAAAGCAAAGATCCTGATATCTGTAAG[T>A]TGATACAGAAACTTTCTAAAATAGAAAAAGCATGTTTTATATACTTTCAAAATTCACAAT-3'